The following is an entry in ClinVar:

ClinVar aggregate classification (germline): Benign/Likely benign. Review status: criteria provided, multiple submitters, no conflicts (2 of 4 stars). 4 submissions from 4 submitters: Benign (1); Likely benign (3). Last evaluated 2026-01-21.

Conditions:
Hereditary cancer-predisposing syndrome. Also called: Tumor predisposition; Neoplastic Syndromes, Hereditary; Hereditary Cancer Syndrome; Hereditary neoplastic syndrome. Identifiers: Orphanet 140162, MedGen C0027672, MeSH D009386, MONDO:0015356.
Chuvash polycythemia. Also called: POLYCYTHEMIA, VHL-DEPENDENT. Identifiers: Orphanet 238557, MedGen C1837915, MONDO:0009892, OMIM 263400.
Von Hippel-Lindau syndrome (VHLS). Also called: VHL syndrome; Von Hippel-Lindau; von Hippel–Lindau syndrome. Identifiers: Orphanet 892, MedGen C0019562, MONDO:0008667, OMIM 193300. Disease mechanism: loss of function.

gnomAD v4.1: 4 of 1,600,754 alleles (0.00025%); highest among the groups gnomAD compares: South Asian, 0.0011%; no homozygotes.

Submissions (4):

Labcorp Genetics (formerly Invitae), Labcorp
Classification: Likely benign for Von Hippel-Lindau syndrome; Chuvash polycythemia. Last evaluated: 2026-01-21. Review status: criteria provided, single submitter. Criteria: Invitae Variant Classification Sherloc (09022015). Collection method: clinical testing. Allele origin: germline.

Myriad Genetics, Inc.
Classification: Benign for Von Hippel-Lindau syndrome. Last evaluated: 2025-06-10. Review status: criteria provided, single submitter. Criteria: Myriad Autosomal Dominant, Autosomal Recessive and X-Linked Classification Criteria (2023). Collection method: clinical testing. Allele origin: unknown.
Comment: This variant is considered benign. This variant is a silent/synonymous amino acid change and it is not expected to impact splicing.

Color Diagnostics, LLC DBA Color Health
Classification: Likely benign for Von Hippel-Lindau syndrome. Last evaluated: 2022-11-06. Review status: criteria provided, single submitter. Criteria: ACMG Guidelines, 2015. Collection method: clinical testing. Allele origin: germline.

Ambry Genetics
Classification: Likely benign for Hereditary cancer-predisposing syndrome. Last evaluated: 2017-07-20. Review status: criteria provided, single submitter. Criteria: Ambry Variant Classification Scheme 2023. Collection method: clinical testing. Allele origin: germline.

NM_000551.4(VHL):c.276C>T (p.Asp92=)

Gene: VHL (von Hippel-Lindau tumor suppressor; plus strand). Cytogenetic location: 3p25.3.
Variant type: single nucleotide variant.
Coding change: c.276C>T on transcript NM_000551.4 (MANE Select); coding-DNA position 276, C replaced by T.
Protein change: p.Asp92=; no amino-acid change (aspartic acid 92 retained).
Molecular consequence: synonymous variant.
Genome position (GRCh38, 1-based): chr3:10,142,123, C>T. VCF-style: chr3-10142123-C-T. GRCh37 (hg19) VCF-style: chr3-10183807-C-T.
Other names: c.276C>T, p.Asp92= (NM_001354723.2, NM_198156.3).
Identifiers: ClinVar variation 486708 (VCV000486708.18), dbSNP rs1442093467, ClinGen allele CA432420499.